The following is an entry in ClinVar:

NM_001267550.2(TTN):c.14119G>A (p.Glu4707Lys)

Gene: TTN (titin; minus strand). Cytogenetic location: 2q31.2.
Variant type: single nucleotide variant.
Coding change: c.14119G>A on transcript NM_001267550.2 (MANE Select); coding-DNA position 14119, G replaced by A.
Protein change: p.Glu4707Lys; replaces glutamic acid 4707 with lysine.
Molecular consequence: missense variant.
Genome position (GRCh38, 1-based): chr2:178,738,334, C>T on the plus strand (G>A on the coding strand, the complement: TTN is on the minus strand). VCF-style: chr2-178738334-C-T. GRCh37 (hg19) VCF-style: chr2-179603061-C-T.
Other names: c.13168G>A, p.Glu4390Lys (NM_001256850.1); c.13030G>A, p.Glu4344Lys (NM_003319.4); c.10387G>A, p.Glu3463Lys (NM_133378.4); c.13405G>A, p.Glu4469Lys (NM_133432.3); c.13606G>A, p.Glu4536Lys (NM_133437.4); short protein forms E3463K, E4344K, E4390K, E4469K, E4536K, E4707K.
Identifiers: ClinVar variation 1192990 (VCV001192990.7), dbSNP rs749584249, ClinGen allele CA2002465.

ClinVar aggregate classification (germline): Conflicting classifications of pathogenicity. Review status: criteria provided, conflicting classifications (1 of 4 stars). 3 submissions from 3 submitters: Uncertain significance (2); Likely benign (1). Last evaluated 2020-03-18.

Conditions:
Cardiovascular phenotype. Identifiers: MedGen CN230736.

Allele frequency attached by ClinVar (database versions not stated): TOPMed 0.00002; gnomAD 0.00003 and 0.00004.
gnomAD v4.1: 27 of 1,612,536 alleles (0.0017%); highest among the groups gnomAD compares: Middle Eastern, 0.016%; no homozygotes.

Submissions (3):

Revvity Omics, Revvity
Classification: Uncertain significance. Last evaluated: 2020-03-18. Review status: criteria provided, single submitter. Criteria: ACMG Guidelines, 2015. Collection method: clinical testing. Allele origin: germline.

Ambry Genetics
Classification: Uncertain significance for Cardiovascular phenotype. Last evaluated: 2020-01-29. Review status: criteria provided, single submitter. Criteria: Ambry Variant Classification Scheme 2023. Collection method: clinical testing. Allele origin: germline.
Comment: The p.E4344K variant (also known as c.13030G>A), located in coding exon 45 of the TTN gene, results from a G to A substitution at nucleotide position 13030. The glutamic acid at codon 4344 is replaced by lysine, an amino acid with similar properties. This amino acid position is not well conserved in available vertebrate species. In addition, this alteration is predicted to be tolerated by in silico analysis. Since supporting evidence is limited at this time, the clinical significance of this alteration remains unclear.

GeneDx
Classification: Likely benign. Last evaluated: 2019-11-13. Review status: criteria provided, single submitter. Criteria: GeneDx Variant Classification Process June 2021. Collection method: clinical testing. Allele origin: germline. Affected: yes.